The following is an entry in ClinVar:

ClinVar aggregate classification (germline): Uncertain significance (1 of 4 stars; one submission).

Conditions:
MIB1-related disorder. Also called: MIB1-related condition.

Submission:

PreventionGenetics, part of Exact Sciences
Classification: Uncertain significance for MIB1-related condition. Last evaluated: 2025-01-10. Review status: criteria provided, single submitter. Criteria: ACMG Guidelines, 2015. Collection method: clinical testing. Allele origin: germline.
Comment: The MIB1 c.479delG variant is predicted to result in a frameshift and premature protein termination (p.Gly160Glufs*19). To our knowledge, this variant has not been reported in the literature or in a large population database (gnomAD), indicating this variant is rare. Loss of function has not been conclusively established as a mechanism for MIB1-related disorders. Although we suspect that this variant may be pathogenic, at this time, the clinical significance of this variant is uncertain due to the absence of conclusive functional and genetic evidence.

NM_020774.4(MIB1):c.479del (p.Gly160fs)

Gene: MIB1 (MIB E3 ubiquitin protein ligase 1; plus strand). Cytogenetic location: 18q11.2.
Variant type: Deletion.
Coding change: c.479del on transcript NM_020774.4 (MANE Select); coding-DNA position 479, one base deleted (G; older notation c.479delG).
Protein change: p.Gly160fs; shifts the reading frame from glycine 160.
Molecular consequence: frameshift variant.
Genome position (GRCh38, 1-based): chr18:21,768,700, G deleted; the last of 2 consecutive G bases (chr18:21,768,699-21,768,700); deleting either gives the same sequence. VCF-style (leftmost placement, unchanged base first): chr18-21768698-AG-A. GRCh37 (hg19) VCF-style: chr18-19348659-AG-A.
Other names: short protein forms G160fs.
Identifiers: ClinVar variation 4998468 (VCV004998468.1).
Genomic context (GRCh38, chr18:21,768,698, plus strand): 5'-TCGTAGGAAATCTAAGAAGATTACAGCCAGAGGAATCTTTGCAGGTGCCAGAGTGGTGCG[AG>A]GAGTGGACTGGCAGTGGGAAGATCAAGATGGAGGAAATGGACGTAGGGGAAAGGTACAGT-3'